The following is an entry in ClinVar:

NM_001376.5(DYNC1H1):c.4532C>T (p.Pro1511Leu)

Gene: DYNC1H1 (dynein cytoplasmic 1 heavy chain 1; plus strand). Cytogenetic location: 14q32.31.
Variant type: single nucleotide variant.
Coding change: c.4532C>T on transcript NM_001376.5 (MANE Select); coding-DNA position 4532, C replaced by T.
Protein change: p.Pro1511Leu; replaces proline 1511 with leucine.
Molecular consequence: missense variant.
Genome position (GRCh38, 1-based): chr14:102,001,671, C>T. VCF-style: chr14-102001671-C-T. GRCh37 (hg19) VCF-style: chr14-102468008-C-T.
Other names: short protein forms P1511L.
Identifiers: ClinVar variation 472535 (VCV000472535.13), dbSNP rs1327664377, ClinGen allele CA391042819.
Genomic context (GRCh38, chr14:102,001,671, plus strand): 5'-ATGACCTCTTCAACAAGGTCAAAGAACACATCAACAGCGTCTCGGCCATGAAGCTCTCTC[C>T]GTATTACAAGGTGCTGTTGCTGGGGAAGCTTTCCCTCCCCACCAGTGGTCTCCCACGCTT-3'
Protein context (NP_001367.2, residues 1501-1521): INSVSAMKLS[Pro1511Leu]YYKVFEEDAL

ClinVar aggregate classification (germline): Pathogenic/Likely pathogenic. Review status: criteria provided, multiple submitters, no conflicts (2 of 4 stars). 5 submissions from 5 submitters: Pathogenic (1); Likely pathogenic (4). Last evaluated 2025-08-07.

Conditions:
DYNC1H1-related disorder. Also called: DYNC1H1-related condition; DYNC1H1-related disorders. Identifiers: MedGen CN381529.
Progressive muscle weakness. Identifiers: MedGen C0240421, HP:0003323.
Cortical dysplasia, complex, with other brain malformations 13. Also called: Intellectual disability, autosomal dominant 13. Identifiers: MedGen C3281202, MONDO:0013805, OMIM 614563.
Charcot-Marie-Tooth disease axonal type 2O. Also called: CHARCOT-MARIE-TOOTH NEUROPATHY, AXONAL, TYPE 2O; CHARCOT-MARIE-TOOTH DISEASE, AXONAL, AUTOSOMAL DOMINANT, TYPE 2O; Charcot-Marie-Tooth Neuropathy Type 2O; Charcot-Marie-Tooth disease, axonal, type 20. Identifiers: Orphanet 284232, MedGen C3280220, MONDO:0013644, OMIM 614228.
Autosomal dominant childhood-onset proximal spinal muscular atrophy without contractures. Also called: SPINAL MUSCULAR ATROPHY, JUVENILE, PROXIMAL, AUTOSOMAL DOMINANT; Spinal muscular atrophy, lower extremity-predominant 1, AD; SPINAL MUSCULAR ATROPHY, CHILDHOOD, PROXIMAL, AUTOSOMAL DOMINANT; KUGELBERG-WELANDER SYNDROME, AUTOSOMAL DOMINANT. Identifiers: Orphanet 209341, Orphanet 363447, MedGen C5780022, MONDO:0008026, OMIM 158600.

Allele frequency attached by ClinVar (database versions not stated): TOPMed 0.00001.

Submissions (5):

3billion
Classification: Likely pathogenic for DYNC1H1-related disorder. Last evaluated: 2025-08-07. Review status: criteria provided, single submitter. Criteria: ACMG Guidelines, 2015. Collection method: clinical testing. Allele origin: germline. Affected: yes.
Comment: The variant is not observed in the gnomAD v4.1.0 dataset. Predicted Consequence/Location: Missense variant. Missense changes are a common disease-causing mechanism. In silico tool predictions suggest damaging effect of the variant on gene or gene product [3Cnet: 0.76 (> 0.75, sensitivity 0.96 and precision 0.92)]. The same nucleotide change resulting in the same amino acid change has been previously reported as pathogenic/likely pathogenic with strong evidence (ClinVar ID: VCV000472535 /PMID: 32656949). The variant has been previously reported as de novo in a similarly affected individual (PMID: 32656949). Therefore, this variant is classified as Likely pathogenic according to the recommendation of ACMG/AMP guideline.

Labcorp Genetics (formerly Invitae), Labcorp
Classification: Pathogenic for Charcot-Marie-Tooth disease axonal type 2O. Last evaluated: 2024-05-01. Review status: criteria provided, single submitter. Criteria: Invitae Variant Classification Sherloc (09022015). Collection method: clinical testing. Allele origin: germline.
Comment: This sequence change replaces proline, which is neutral and non-polar, with leucine, which is neutral and non-polar, at codon 1511 of the DYNC1H1 protein (p.Pro1511Leu). This variant is not present in population databases (gnomAD no frequency). This missense change has been observed in individual(s) with DYNC1H1-related disorders (PMID: 32656949). In at least one individual the variant was observed to be de novo. ClinVar contains an entry for this variant (Variation ID: 472535). Advanced modeling of protein sequence and biophysical properties (such as structural, functional, and spatial information, amino acid conservation, physicochemical variation, residue mobility, and thermodynamic stability) performed at Invitae indicates that this missense variant is expected to disrupt DYNC1H1 protein function with a positive predictive value of 95%. For these reasons, this variant has been classified as Pathogenic.

Pediatric Genomics Discovery Program, Yale University
Classification: Likely pathogenic for Progressive muscle weakness. Last evaluated: 2020-02-06. Review status: criteria provided, single submitter. Criteria: ACMG Guidelines, 2015. Collection method: research. Allele origin: de novo. Inheritance: Sporadic. Affected: yes. Observed: 1 heterozygote.
Comment: The p.Pro1511Leu variant in DYNC1H1 has not been reported prior to this entry, and is absent from controls (PM2). This residue is highly conserved in species. Multiple lines of in silico predictors suggest damaging effect of this amino acid substitution (PP3). DYNC1H1 is a gene with a low rate of benign missense change, whereas most pathogenic variants in this gene are missense (PP2). The p.Pro1511Leu variant is located in the stem domain which is where dimerization occurs; other variants in this domain have been associated with lower-extremity predominant spinal muscular atrophy (PM1).

Clinical Genetics Service, Universitary Hospital 12 de Octubre
Classification: Likely pathogenic for Cortical dysplasia, complex, with other brain malformations 13. Review status: criteria provided, single submitter. Criteria: ACMG Guidelines, 2015. Collection method: clinical testing. Allele origin: germline. Affected: yes.

Juno Genomics, Hangzhou Juno Genomics, Inc
Classification: Likely pathogenic for Charcot-Marie-Tooth disease axonal type 2O; Autosomal dominant childhood-onset proximal spinal muscular atrophy without contractures; Cortical dysplasia, complex, with other brain malformations 13. Review status: criteria provided, single submitter. Criteria: ACMG Guidelines, 2015. Collection method: clinical testing. Allele origin: germline. Affected: yes.
Comment: Absent from controls (or at extremely low frequency if recessive) in Genome Aggregation Database, Exome Sequencing Project, 1000 Genomes Project, or Exome Aggregation Consortium.;Missense variant in a gene that has a low rate of benign missense variation and where missense variants are a common mechanism of disease.;De novo (both maternity and paternity confirmed) in a patient with the disease and no family history.;Patient's phenotype or family history is highly specific for a disease with a single genetic etiology.;Located in a mutational hot spot and/or critical and well-established functional domain (e.g. active site of an enzyme) without benign variation.

Literature cited by the submitters: PubMed 32656949 (cited by 3billion and Labcorp Genetics (formerly Invitae), Labcorp).